The following is an entry in ClinVar:

ClinVar aggregate classification (germline): Likely benign. Review status: criteria provided, multiple submitters, no conflicts (2 of 4 stars). 3 submissions from 3 submitters: Likely benign (2). 1 of the submissions does not count toward it. Last evaluated 2025-07-13.

Conditions:
TK2-related disorder. Also called: TK2-related condition.

Allele frequency attached by ClinVar (database versions not stated): gnomAD 0.00001; gnomAD exomes 0.00002; TOPMed 0.00002; ExAC 0.00004.
gnomAD v4.1: 47 of 1,613,970 alleles (0.0029%); highest among the groups gnomAD compares: South Asian, 0.027%; no homozygotes.

Submissions (3):

Labcorp Genetics (formerly Invitae), Labcorp
Classification: Likely benign. Last evaluated: 2025-07-13. Review status: criteria provided, single submitter. Criteria: Invitae Variant Classification Sherloc (09022015). Collection method: clinical testing. Allele origin: germline.

CeGaT Center for Human Genetics Tuebingen
Classification: Likely benign. Last evaluated: 2022-08-01. Review status: criteria provided, single submitter. Criteria: CeGaT Center For Human Genetics Tuebingen Variant Classification Criteria Version 2. Collection method: clinical testing. Allele origin: germline. Affected: yes. Observed: 1 variant allele.
Comment: TK2: BP4, BP7

PreventionGenetics, part of Exact Sciences
Classification: Likely benign for TK2-related condition. Last evaluated: 2019-07-17. Review status: no assertion criteria provided. Collection method: clinical testing. Allele origin: germline. Not counted in ClinVar's aggregate classification.
Comment: This variant is classified as likely benign based on ACMG/AMP sequence variant interpretation guidelines (Richards et al. 2015 PMID: 25741868, with internal and published modifications).

NM_004614.5(TK2):c.225C>T (p.Asp75=)

Gene: TK2 (thymidine kinase 2; minus strand). Cytogenetic location: 16q21.
Variant type: single nucleotide variant.
Coding change: c.225C>T on transcript NM_004614.5 (MANE Select); coding-DNA position 225, C replaced by T.
Protein change: p.Asp75=; no amino-acid change (aspartic acid 75 retained).
Molecular consequence: synonymous variant. On other transcripts: 5 prime UTR variant (1), non-coding transcript variant (1), intron variant (1).
Genome position (GRCh38, 1-based): chr16:66,541,885, G>A on the plus strand (C>T on the coding strand, the complement: TK2 is on the minus strand). VCF-style: chr16-66541885-G-A. GRCh37 (hg19) VCF-style: chr16-66575788-G-A.
Other names: c.225C>T (NM_004614.4); c.132C>T, p.Asp44= (NM_001172643.1, NM_001271935.1); c.225C>T, p.Asp75= (NM_001172645.2); c.78C>T, p.Asp26= (NM_001271934.2); c.-67C>T (NM_001272050.2); c.157-4868C>T (NM_001172644.2).
Identifiers: ClinVar variation 1144113 (VCV001144113.33), dbSNP rs761389794, ClinGen allele CA8093761.